The following is an entry in ClinVar:

ClinVar aggregate classification (germline): Uncertain significance (1 of 4 stars; one submission).

Conditions:
Atrioventricular septal defect 4 (AVSD4). Identifiers: MedGen C3280781, MONDO:0013747, OMIM 614430.

Submission:

Labcorp Genetics (formerly Invitae), Labcorp
Classification: Uncertain significance for Atrioventricular septal defect 4. Last evaluated: 2021-04-06. Review status: criteria provided, single submitter. Criteria: Invitae Variant Classification Sherloc (09022015). Collection method: clinical testing. Allele origin: germline.
Comment: In summary, the available evidence is currently insufficient to determine the role of this variant in disease. Therefore, it has been classified as a Variant of Uncertain Significance. Algorithms developed to predict the effect of missense changes on protein structure and function are either unavailable or do not agree on the potential impact of this missense change (SIFT: "Tolerated"; PolyPhen-2: "Probably Damaging"; Align-GVGD: "Class C0"). This variant has not been reported in the literature in individuals with GATA4-related conditions. This variant is not present in population databases (ExAC no frequency). This sequence change replaces histidine with glutamine at codon 436 of the GATA4 protein (p.His436Gln). The histidine residue is weakly conserved and there is a small physicochemical difference between histidine and glutamine.

NM_001308093.3(GATA4):c.1311C>G (p.His437Gln)

Gene: GATA4 (GATA binding protein 4). Cytogenetic location: 8p23.1.
Variant type: single nucleotide variant.
Coding change: c.1311C>G on transcript NM_001308093.3 (MANE Select); coding-DNA position 1311, C replaced by G.
Protein change: p.His437Gln; replaces histidine 437 with glutamine.
Molecular consequence: missense variant.
Genome position (GRCh38, 1-based): chr8:11,758,454, C>G. VCF-style: chr8-11758454-C-G. GRCh37 (hg19) VCF-style: chr8-11615963-C-G.
Other names: c.690C>G, p.His230Gln (NM_001308094.2, NM_001374273.1); c.564C>G, p.His188Gln (NM_001374274.1); c.1308C>G, p.His436Gln (NM_002052.5); short protein forms H436Q, H230Q, H437Q, H188Q.
Identifiers: ClinVar variation 1428630 (VCV001428630.8), dbSNP rs779684582, ClinGen allele CA370315858.